The following is an entry in ClinVar:

NM_018489.3(ASH1L):c.7002C>G (p.Thr2334=)

Gene: ASH1L (ASH1 like histone lysine methyltransferase; minus strand). Cytogenetic location: 1q22.
Variant type: single nucleotide variant.
Coding change: c.7002C>G on transcript NM_018489.3 (MANE Select); coding-DNA position 7002, C replaced by G.
Protein change: p.Thr2334=; no amino-acid change (threonine 2334 retained).
Molecular consequence: synonymous variant.
Genome position (GRCh38, 1-based): chr1:155,357,369, G>C on the plus strand (C>G on the coding strand, the complement: ASH1L is on the minus strand). VCF-style: chr1-155357369-G-C. GRCh37 (hg19) VCF-style: chr1-155327160-G-C.
Other names: c.7017C>G, p.Thr2339= (NM_001366177.2).
Identifiers: ClinVar variation 3058063 (VCV003058063.2), dbSNP rs541113368, ClinGen allele CA1146205.
Genomic context (GRCh38, chr1:155,357,369, plus strand): 5'-TTTTTACCTTTCACGATTGGACATTGGCTTCATCTGTAATTGGGGGGTCAATCTAGTTGG[G>C]GTGTTGATATTTTCACTGGGTTCCTCAGAGAGATGGCCTCTCTGAAAAAGAGATGGATCA-3'
Protein context (NP_060959.2, residues 2324-2344): LSEEPSENIN[Thr2334=]PTRLTPQLQM

ClinVar aggregate classification (germline): Likely benign (0 of 4 stars; one submission).

Conditions:
ASH1L-related disorder. Also called: ASH1L-related condition.

Allele frequency attached by ClinVar (database versions not stated): gnomAD 0.00007; ExAC 0.00029; 1000 Genomes Project 30x 0.00078; 1000 Genomes Project 0.00080.
gnomAD v4.1: 172 of 1,613,698 alleles (0.011%); highest among the groups gnomAD compares: South Asian, 0.19%; no homozygotes.

Submission:

PreventionGenetics, part of Exact Sciences
Classification: Likely benign for ASH1L-related condition. Last evaluated: 2019-04-25. Review status: no assertion criteria provided. Collection method: clinical testing. Allele origin: germline.
Comment: This variant is classified as likely benign based on ACMG/AMP sequence variant interpretation guidelines (Richards et al. 2015 PMID: 25741868, with internal and published modifications).